The following is an entry in ClinVar:

NM_001148.6(ANK2):c.6730C>A (p.Pro2244Thr)

Gene: ANK2 (ankyrin 2; plus strand). Cytogenetic location: 4q26.
Variant type: single nucleotide variant.
Coding change: c.6730C>A on transcript NM_001148.6 (MANE Select); coding-DNA position 6730, C replaced by A.
Protein change: p.Pro2244Thr; replaces proline 2244 with threonine.
Molecular consequence: missense variant. On other transcripts: intron variant (68).
Genome position (GRCh38, 1-based): chr4:113,355,348, C>A. VCF-style: chr4-113355348-C-A. GRCh37 (hg19) VCF-style: chr4-114276504-C-A.
Other names: c.6496C>A, p.Pro2166Thr (NM_001386142.1); c.3130C>A, p.Pro1044Thr (NM_001386166.1); c.6871C>A, p.Pro2291Thr (NM_001386174.1); c.6847C>A, p.Pro2283Thr (NM_001386175.1); c.4411+5099C>A (NM_001386186.2, NM_001386148.2); c.4213+5099C>A (NM_001354269.3); c.4291+5099C>A (NM_001386187.2); c.4252+5099C>A (NM_001386147.1); and 35 more; short protein forms P1044T, P2244T, P2283T, P2291T, P2166T.
Identifiers: ClinVar variation 1902975 (VCV001902975.5), dbSNP rs368545726, ClinGen allele CA3051464.

ClinVar aggregate classification (germline): Uncertain significance (1 of 4 stars; one submission).

Conditions:
Long QT syndrome (LQTS). Identifiers: MedGen C0023976, MeSH D008133, MONDO:0002442. Disease mechanism: loss of function. Inheritance: Various modes of inheritance.

Allele frequency attached by ClinVar (database versions not stated): gnomAD exomes below 0.00001; ExAC 0.00001; gnomAD 0.00001; TOPMed 0.00001; ESP Exome Variant Server 0.00008.
gnomAD v4.1: 8 of 1,613,776 alleles (0.0005%); highest among the groups gnomAD compares: Non-Finnish European, 0.00042%; no homozygotes.

Submission:

Labcorp Genetics (formerly Invitae), Labcorp
Classification: Uncertain significance for Long QT syndrome. Last evaluated: 2022-03-13. Review status: criteria provided, single submitter. Criteria: Invitae Variant Classification Sherloc (09022015). Collection method: clinical testing. Allele origin: germline.
Comment: This sequence change replaces proline, which is neutral and non-polar, with threonine, which is neutral and polar, at codon 2244 of the ANK2 protein (p.Pro2244Thr). This variant is present in population databases (rs368545726, gnomAD 0.002%). In summary, the available evidence is currently insufficient to determine the role of this variant in disease. Therefore, it has been classified as a Variant of Uncertain Significance. Algorithms developed to predict the effect of missense changes on protein structure and function are either unavailable or do not agree on the potential impact of this missense change (SIFT: "Tolerated"; PolyPhen-2: "Probably Damaging"; Align-GVGD: "Class C0"). This variant has not been reported in the literature in individuals affected with ANK2-related conditions.